The following is an entry in ClinVar:

ClinVar aggregate classification (germline): Uncertain significance (1 of 4 stars; one submission).

Submission:

Labcorp Genetics (formerly Invitae), Labcorp
Classification: Uncertain significance. Last evaluated: 2023-04-14. Review status: criteria provided, single submitter. Criteria: Invitae Variant Classification Sherloc (09022015). Collection method: clinical testing. Allele origin: germline.
Comment: This sequence change replaces glycine, which is neutral and non-polar, with alanine, which is neutral and non-polar, at codon 368 of the ATP1A1 protein (p.Gly368Ala). This variant is not present in population databases (gnomAD no frequency). This variant has not been reported in the literature in individuals affected with ATP1A1-related conditions. Advanced modeling of protein sequence and biophysical properties (such as structural, functional, and spatial information, amino acid conservation, physicochemical variation, residue mobility, and thermodynamic stability) performed at Invitae indicates that this missense variant is expected to disrupt ATP1A1 protein function. In summary, the available evidence is currently insufficient to determine the role of this variant in disease. Therefore, it has been classified as a Variant of Uncertain Significance.

NM_000701.8(ATP1A1):c.1103G>C (p.Gly368Ala)

Gene: ATP1A1 (ATPase Na+/K+ transporting subunit alpha 1; plus strand). Cytogenetic location: 1p13.1.
Variant type: single nucleotide variant.
Coding change: c.1103G>C on transcript NM_000701.8 (MANE Select); coding-DNA position 1103, G replaced by C.
Protein change: p.Gly368Ala; replaces glycine 368 with alanine.
Molecular consequence: missense variant.
Genome position (GRCh38, 1-based): chr1:116,390,292, G>C. VCF-style: chr1-116390292-G-C. GRCh37 (hg19) VCF-style: chr1-116932914-G-C.
Other names: c.1103G>C, p.Gly368Ala (NM_001160233.2); c.1010G>C, p.Gly337Ala (NM_001160234.2); short protein forms G337A, G368A.
Identifiers: ClinVar variation 2851773 (VCV002851773.3), dbSNP rs2525838372, ClinGen allele CA341844440.